The following is an entry in ClinVar:

NM_004522.3(KIF5C):c.531T>C (p.Pro177=)

Gene: KIF5C (kinesin family member 5C; plus strand). Cytogenetic location: 2q23.1.
Variant type: single nucleotide variant.
Coding change: c.531T>C on transcript NM_004522.3 (MANE Select); coding-DNA position 531, T replaced by C.
Protein change: p.Pro177=; no amino-acid change (proline 177 retained).
Molecular consequence: synonymous variant.
Genome position (GRCh38, 1-based): chr2:148,942,702, T>C. VCF-style: chr2-148942702-T-C. GRCh37 (hg19) VCF-style: chr2-149799216-T-C.
Identifiers: ClinVar variation 380833 (VCV000380833.2), dbSNP rs61734995, ClinGen allele CA1901263.
Genomic context (GRCh38, chr2:148,942,702, plus strand): 5'-CAGTGGTGAACCTGAACTGATTCTCTTCCAGGGGTGCACTGAGCGGTTTGTGTCGAGCCC[T>C]GAGGAAGTCATGGATGTAATAGATGAAGGCAAAGCAAACCGACACGTGGCTGTGACAAGT-3'
Protein context (NP_004513.1, residues 167-187): KGCTERFVSS[Pro177=]EEVMDVIDEG

ClinVar aggregate classification (germline): Benign. Review status: criteria provided, multiple submitters, no conflicts (2 of 4 stars). 2 submissions from 2 submitters: Benign (2). Last evaluated 2016-01-14.

Allele frequency attached by ClinVar (database versions not stated): gnomAD exomes 0.09173 and 0.09752; ExAC 0.12386; gnomAD 0.14756 and 0.15228; 1000 Genomes Project 0.14976; ESP Exome Variant Server 0.15364; 1000 Genomes Project 30x 0.15365; TOPMed 0.15922.

Submissions (2):

GeneDx
Classification: Benign. Last evaluated: 2016-01-14. Review status: criteria provided, single submitter. Criteria: GeneDx Variant Classification (06012015). Collection method: clinical testing. Allele origin: germline. Affected: yes.
Comment: This variant is considered likely benign or benign based on one or more of the following criteria: it is a conservative change, it occurs at a poorly conserved position in the protein, it is predicted to be benign by multiple in silico algorithms, and/or has population frequency not consistent with disease.

Breakthrough Genomics
Classification: Benign. Review status: criteria provided, single submitter. Criteria: ACMG Guidelines, 2015. Collection method: not provided. Allele origin: germline. Inheritance: Autosomal dominant inheritance. Affected: yes.